The following is an entry in ClinVar:

NM_017635.5(KMT5B):c.1239A>G (p.Gln413=)

Gene: KMT5B (lysine methyltransferase 5B; minus strand). Cytogenetic location: 11q13.2.
Variant type: single nucleotide variant.
Coding change: c.1239A>G on transcript NM_017635.5 (MANE Select); coding-DNA position 1239, A replaced by G.
Protein change: p.Gln413=; no amino-acid change (glutamine 413 retained).
Molecular consequence: synonymous variant.
Genome position (GRCh38, 1-based): chr11:68,159,107, T>C on the plus strand (A>G on the coding strand, the complement: KMT5B is on the minus strand). VCF-style: chr11-68159107-T-C. GRCh37 (hg19) VCF-style: chr11-67926574-T-C.
Other names: c.723A>G, p.Gln241= (NM_001300907.1, NM_001369428.1, NM_001369429.1 and 4 more transcripts); c.519A>G, p.Gln173= (NM_001300908.2); c.1239A>G, p.Gln413= (NM_001369426.1).
Identifiers: ClinVar variation 1012804 (VCV001012804.40), dbSNP rs115159598, ClinGen allele CA6148217.

ClinVar aggregate classification (germline): Likely benign. Review status: criteria provided, multiple submitters, no conflicts (2 of 4 stars). 3 submissions from 3 submitters: Likely benign (3). Last evaluated 2024-09-13.

Allele frequency attached by ClinVar (database versions not stated): gnomAD exomes 0.00032 and 0.00078; ExAC 0.00081; 1000 Genomes Project 30x 0.00219; gnomAD 0.00228 and 0.00240; 1000 Genomes Project 0.00240; TOPMed 0.00260; ESP Exome Variant Server 0.00262.
gnomAD v4.1: 836 of 1,601,676 alleles (0.052%); highest among the groups gnomAD compares: African/African-American, 0.86%; 2 homozygotes.

Submissions (3):

Blueprint Genetics
Classification: Likely benign. Last evaluated: 2024-09-13. Review status: criteria provided, single submitter. Criteria: ACMG Guidelines, 2015. Collection method: clinical testing. Allele origin: germline.

CeGaT Center for Human Genetics Tuebingen
Classification: Likely benign. Last evaluated: 2024-02-01. Review status: criteria provided, single submitter. Criteria: CeGaT Center For Human Genetics Tuebingen Variant Classification Criteria Version 2. Collection method: clinical testing. Allele origin: germline. Affected: yes. Observed: 3 variant alleles.
Comment: KMT5B: BP4, BP7, BS1

Breakthrough Genomics
Classification: Likely benign. Review status: criteria provided, single submitter. Criteria: ACMG Guidelines, 2015. Collection method: not provided. Allele origin: germline. Inheritance: Autosomal dominant inheritance. Affected: yes.